The following is an entry in ClinVar:

ClinVar aggregate classification (germline): Conflicting classifications of pathogenicity. Review status: criteria provided, conflicting classifications (1 of 4 stars). 12 submissions from 11 submitters: Uncertain significance (6); Benign (1); Likely benign (4). 1 of the submissions does not count toward it. Last evaluated 2026-01-26.

Conditions:
Familial Mediterranean fever (FMF). Also called: Periodic peritonitis; Benign paroxysmal peritonitis; POLYSEROSITIS, FAMILIAL PAROXYSMAL; POLYSEROSITIS, RECURRENT. Identifiers: Orphanet 342, MedGen C0031069, MONDO:0018088, OMIM 249100. Disease mechanism: gain of function.
Familial Mediterranean fever, autosomal dominant. Also called: Dominant Familial Mediterranean Fever; FMF, AUTOSOMAL DOMINANT. Identifiers: Orphanet 342, MedGen C1851347, MONDO:0007601, OMIM 134610.
Acute febrile neutrophilic dermatosis (AFND). Also called: Gomm Button disease; Sweet Syndrome. Identifiers: Orphanet 3243, MedGen C0085077, MONDO:0011959, OMIM 608068.
Autoinflammatory syndrome. Identifiers: Orphanet 93665, MedGen C3890737, MONDO:0019751.

Allele frequency attached by ClinVar (database versions not stated): gnomAD exomes 0.00055; ExAC 0.00082; 1000 Genomes Project 0.00180; 1000 Genomes Project 30x 0.00219; gnomAD 0.00234 and 0.00250; TOPMed 0.00260; ESP Exome Variant Server 0.00354.
gnomAD v4.1: 622 of 1,614,194 alleles (0.039%); highest among the groups gnomAD compares: African/African-American, 0.76%; 5 homozygotes.

Submissions (12):

Labcorp Genetics (formerly Invitae), Labcorp
Classification: Likely benign for Familial Mediterranean fever. Last evaluated: 2026-01-26. Review status: criteria provided, single submitter. Criteria: Invitae Variant Classification Sherloc (09022015). Collection method: clinical testing. Allele origin: germline.

GeneDx
Classification: Uncertain significance. Last evaluated: 2025-10-03. Review status: criteria provided, single submitter. Criteria: GeneDx Variant Classification Process June 2021. Collection method: clinical testing. Allele origin: germline. Affected: yes.
Comment: In silico analysis suggests that this missense variant does not alter protein structure/function; Reported in ClinVar with conflicting classifications (VCV000036516.14); Has not been reported in an affected patient in the published literature to our knowledge; This variant is associated with the following publications: (PMID: 28421071, 29178647, 32082075)

ARUP Laboratories, Molecular Genetics and Genomics, ARUP Laboratories
Classification: Uncertain significance. Last evaluated: 2025-07-30. Review status: criteria provided, single submitter. Criteria: ARUP Molecular Germline Variant Investigation Process 2024. Collection method: clinical testing. Allele origin: germline.
Comment: The MEFV c.97G>T; p.Val33Leu variant (rs11466016), to our knowledge, is not reported in the medical literature but is reported in ClinVar (Variation ID: 36516). This variant is found in the African population with an allele frequency of 0.80% (199/24970 alleles, including 1 homozygote) in the Genome Aggregation Database (v2.1.1). Computational analyses predict that this variant is neutral (REVEL: 0.11). Due to limited information, the clinical significance of this variant is uncertain at this time.

Blueprint Genetics
Classification: Likely benign. Last evaluated: 2024-11-04. Review status: criteria provided, single submitter. Criteria: ACMG Guidelines, 2015. Collection method: clinical testing. Allele origin: germline.

Johns Hopkins Genomics, Johns Hopkins University
Classification: Uncertain significance for Familial Mediterranean fever, autosomal dominant. Last evaluated: 2024-07-10. Review status: criteria provided, single submitter. Criteria: ACMG Guidelines, 2015. Collection method: clinical testing. Allele origin: germline.
Comment: This MEFV missense variant has been identified in one or more individuals with symptomatic Familial Mediterranean Fever. It (rs11466016) is present in a large population dataset (gnomAD v4.1.0: 622/1614194 total alleles; 0.04%; 5 homozygotes), and has been reported in ClinVar6 (Variation ID 36516). Two bioinformatic tools queried predict that this substitution would be tolerated, but these algorithms have low specificity, especially for predicting gain of function or dominant negative variants. Among the species assessed, very few have a valine residue at this position, while several species have leucine. We consider the clinical significance of c.97G>T in MEFV to be uncertain at this time.

CeGaT Center for Human Genetics Tuebingen
Classification: Likely benign. Last evaluated: 2024-07-01. Review status: criteria provided, single submitter. Criteria: CeGaT Center For Human Genetics Tuebingen Variant Classification Criteria Version 2. Collection method: clinical testing. Allele origin: germline. Affected: yes. Observed: 3 variant alleles.
Comment: MEFV: BP4, BS2

Mayo Clinic Laboratories, Mayo Clinic
Classification: Uncertain significance. Last evaluated: 2022-08-11. Review status: criteria provided, single submitter. Criteria: ACMG Guidelines, 2015. Collection method: clinical testing. Allele origin: germline. Observed: 1 variant allele.
Comment: BP4

Genome Diagnostics Laboratory, The Hospital for Sick Children
Classification: Likely benign for Autoinflammatory syndrome. Last evaluated: 2021-08-12. Review status: criteria provided, single submitter. Criteria: ACMG Guidelines, 2015. Collection method: clinical testing. Allele origin: germline. Affected: yes.

Women's Health and Genetics/Laboratory Corporation of America, LabCorp
Classification: Benign. Last evaluated: 2021-01-04. Review status: criteria provided, single submitter. Criteria: LabCorp Variant Classification Summary - May 2015. Collection method: clinical testing. Allele origin: germline.
Comment: Variant summary: MEFV c.97G>T (p.Val33Leu) results in a conservative amino acid change located in the DAPIN (Domain in Apoptosis and INterferon response) domain (IPR004020) of the encoded protein sequence. Five of five in-silico tools predict a benign effect of the variant on protein function. The variant allele was found at a frequency of 0.0023 in 150956 control chromosomes, predominantly at a frequency of 0.0081 within the African subpopulation in the gnomAD database, including 4 homozygotes (gnomAD v3.1 genomes dataset). This frequency is somewhat lower than expected for a pathogenic variant in MEFV causing Familial Mediterranean Fever (0.022), however the observed homozygous occurrences may still suggest a benign role for the variant. Additionally, the variant was reported with even higher frequencies in the 1000 Genomes Project within the African Caribbeans in Barbados (ACB; 1%) and Mende in Sierra Leone (MSL; 1.8%) subpopulations, suggesting this variant is likely a benign polymorphism (Moradian_2017). To our knowledge, no occurrence of c.97G>T in individuals affected with Familial Mediterranean Fever and no experimental evidence demonstrating its impact on protein function have been reported. Five other clinical diagnostic laboratories have submitted clinical-significance assessments for this variant to ClinVar after 2014 without evidence for independent evaluation, and classified the variant as VUS (3x), likely benign (1x) or benign (1x). Based on the evidence outlined above, the variant was classified as benign.

Center for Genomics, Ann and Robert H. Lurie Children's Hospital of Chicago
Classification: Uncertain significance for Familial Mediterranean fever, autosomal dominant; Familial Mediterranean fever. Last evaluated: 2017-11-21. Review status: criteria provided, single submitter. Criteria: ACMG Guidelines, 2015. Collection method: clinical testing. Allele origin: germline.
Comment: MEFV NM_000243.2 exon 1 p.Val33Leu (c.97G>T): This variant has not been reported in the literature but is present in 0.7% (191/24036) of African alleles including 1 homozygote, in the Genome Aggregation Database. This variant is present in ClinVar (Variation ID:36516). This variant amino acid Leucine (Leu) is present in >40 species including mammals and is not well conserved among evolutionarily distant species; this suggests that this variant may not impact the protein. Additional computational prediction tools do not suggest an impact. In summary, data on this variant is insufficient for disease classification. Therefore, the clinical significance of this variant is uncertain.

Center for Genomics, Ann and Robert H. Lurie Children's Hospital of Chicago
Classification: Uncertain significance for Acute febrile neutrophilic dermatosis; Familial Mediterranean fever; Familial Mediterranean fever, autosomal dominant. Review status: criteria provided, single submitter. Criteria: ACMG Guidelines, 2015. Collection method: clinical testing. Allele origin: germline.
Comment: the same text as in the submission from Center for Genomics, Ann and Robert H. Lurie Children's Hospital of Chicago above.

Natera, Inc.
Classification: Benign for Autosomal dominant familial Mediterranean fever. Last evaluated: 2020-06-06. Review status: no assertion criteria provided. Collection method: clinical testing. Allele origin: germline. Not counted in ClinVar's aggregate classification.

Literature cited by the submitters: PubMed 29178647 (cited by 3 submitters); PubMed 31411330 (cited by Johns Hopkins Genomics, Johns Hopkins University); PubMed 28421071 (cited by Women's Health and Genetics/Laboratory Corporation of America, LabCorp); PubMed 32082075 (cited by Women's Health and Genetics/Laboratory Corporation of America, LabCorp).

NM_000243.3(MEFV):c.97G>T (p.Val33Leu)

Gene: MEFV (MEFV innate immunity regulator, pyrin; minus strand). Cytogenetic location: 16p13.3.
Variant type: single nucleotide variant.
Coding change: c.97G>T on transcript NM_000243.3 (MANE Select); coding-DNA position 97, G replaced by T.
Protein change: p.Val33Leu; replaces valine 33 with leucine.
Molecular consequence: missense variant.
Genome position (GRCh38, 1-based): chr16:3,256,491, C>A on the plus strand (G>T on the coding strand, the complement: MEFV is on the minus strand). VCF-style: chr16-3256491-C-A. GRCh37 (hg19) VCF-style: chr16-3306491-C-A.
Other names: c.97G>T, p.Val33Leu (NM_001198536.2); short protein forms V33L.
Identifiers: ClinVar variation 36516 (VCV000036516.68), dbSNP rs11466016, ClinGen allele CA280289.